The following is an entry in ClinVar:

ClinVar aggregate classification (germline): Conflicting classifications of pathogenicity. Review status: criteria provided, conflicting classifications (1 of 4 stars). 6 submissions from 6 submitters: Pathogenic (2); Uncertain significance (2). 2 of the submissions do not count toward it. Last evaluated 2026-07-30.

Conditions:
Cardiovascular phenotype. Identifiers: MedGen CN230736.
Dilated cardiomyopathy 1M (CMD1M). Identifiers: Orphanet 154, MedGen C1843808, MONDO:0011840, OMIM 607482.
Hypertrophic cardiomyopathy 12. Identifiers: MedGen C2677491, MONDO:0012804, OMIM 612124.

Submissions (6):

Ambry Genetics
Classification: Pathogenic for Cardiovascular phenotype. Last evaluated: 2026-07-30. Review status: criteria provided, single submitter. Criteria: Ambry Variant Classification Scheme 2023. Collection method: clinical testing. Allele origin: germline.
Comment: The c.286_287delCC (p.P96Kfs*35) alteration, located in exon 4 (coding exon 3) of the CSRP3 gene, consists of a deletion of 2 nucleotides from position 286 to 287, causing a translational frameshift with a predicted alternate stop codon after 35 amino acids. This variant is expected to result in loss of function by premature protein truncation or nonsense-mediated mRNA decay. however, in the heterozygous state, this variant may present with reduced penetrance and expressivity This variant was not reported in population-based cohorts in the Genome Aggregation Database (gnomAD). This variant has been detected in in an individual reported to have hypertrophic cardiomyopathy; however, details were limited (van Lint, 2019). This variant was reported in a sudden infant death case with an additional cardiac variant detected and limited clinical information provided (Tester, 2018). Based on the available evidence, this alteration is classified as pathogenic.

Labcorp Genetics (formerly Invitae), Labcorp
Classification: Pathogenic for Hypertrophic cardiomyopathy 12; Dilated cardiomyopathy 1M. Last evaluated: 2025-12-12. Review status: criteria provided, single submitter. Criteria: Invitae Variant Classification Sherloc (09022015). Collection method: clinical testing. Allele origin: germline.
Comment: This sequence change creates a premature translational stop signal (p.Pro96Lysfs*35) in the CSRP3 gene. It is expected to result in an absent or disrupted protein product. Loss-of-function variants in CSRP3 are known to be pathogenic (PMID: 12642359, 14567970, 16352453, 20087448, 34558151). This variant is not present in population databases (gnomAD no frequency). This premature translational stop signal has been observed in individual(s) with hypertrophic cardiomyopathy and/or sudden infant death syndrome (PMID: 29544605, 30847666; internal data). ClinVar contains an entry for this variant (Variation ID: 1284733). For these reasons, this variant has been classified as Pathogenic.

AiLife Diagnostics
Classification: Uncertain significance. Last evaluated: 2021-11-15. Review status: criteria provided, single submitter. Criteria: ACMG Guidelines, 2015. Collection method: clinical testing. Allele origin: germline. Affected: yes. Observed: 2 variant alleles.

Fulgent Genetics
Classification: Uncertain significance for Dilated cardiomyopathy 1M; Hypertrophic cardiomyopathy 12. Last evaluated: 2021-08-11. Review status: criteria provided, single submitter. Criteria: ACMG Guidelines, 2015. Collection method: clinical testing. Allele origin: unknown.

Clinical Genetics, Academic Medical Center
Classification: Uncertain significance. Review status: no assertion criteria provided. Collection method: clinical testing. Allele origin: germline. Affected: yes. Study: VKGL Data-share Consensus. Not counted in ClinVar's aggregate classification.

Genome Diagnostics Laboratory, University Medical Center Utrecht
Classification: Uncertain significance. Review status: no assertion criteria provided. Collection method: clinical testing. Allele origin: germline. Affected: yes. Study: VKGL Data-share Consensus. Not counted in ClinVar's aggregate classification.

Literature cited by the submitters: PubMed 29544605 (cited by 3 submitters); PubMed 30847666 (cited by 3 submitters); PubMed 12642359 (cited by Labcorp Genetics (formerly Invitae), Labcorp); PubMed 14567970 (cited by Labcorp Genetics (formerly Invitae), Labcorp); PubMed 16352453 (cited by Labcorp Genetics (formerly Invitae), Labcorp); PubMed 20087448 (cited by Labcorp Genetics (formerly Invitae), Labcorp); PubMed 34558151 (cited by Labcorp Genetics (formerly Invitae), Labcorp).

NM_003476.5(CSRP3):c.286_287del (p.Pro96fs)

Gene: CSRP3 (cysteine and glycine rich protein 3; minus strand). Cytogenetic location: 11p15.1.
Variant type: Deletion.
Coding change: c.286_287del on transcript NM_003476.5 (MANE Select); coding-DNA positions 286 to 287, 2 bases deleted (CC; older notation c.286_287delCC).
Protein change: p.Pro96fs; shifts the reading frame from proline 96.
Molecular consequence: frameshift variant.
Genome position (GRCh38, 1-based): chr11:19,186,343-19,186,344, GG deleted on the plus strand (CC on the coding strand, the reverse complement: CSRP3 is on the minus strand); deleting any 2 consecutive bases within chr11:19,186,343-19,186,346 gives the same sequence; the c. name uses the placement nearest the transcript's 3' end. VCF-style (leftmost placement, unchanged base first): chr11-19186342-TGG-T. GRCh37 (hg19) VCF-style: chr11-19207889-TGG-T.
Other names: c.117_118del, p.Gln40fs (NM_001369404.1); short protein forms P96fs, Q40fs.
Identifiers: ClinVar variation 1284733 (VCV001284733.15), dbSNP rs960577385, ClinGen allele CA090922.